The following is an entry in ClinVar:

NM_014915.3(ANKRD26):c.2768T>C (p.Met923Thr)

Gene: ANKRD26 (ankyrin repeat domain 26; minus strand). Cytogenetic location: 10p12.1.
Variant type: single nucleotide variant.
Coding change: c.2768T>C on transcript NM_014915.3 (MANE Select); coding-DNA position 2768, T replaced by C.
Protein change: p.Met923Thr; replaces methionine 923 with threonine.
Molecular consequence: missense variant.
Genome position (GRCh38, 1-based): chr10:27,035,682, A>G on the plus strand (T>C on the coding strand, the complement: ANKRD26 is on the minus strand). VCF-style: chr10-27035682-A-G. GRCh37 (hg19) VCF-style: chr10-27324611-A-G.
Other names: c.2765T>C, p.Met922Thr (NM_001256053.2); short protein forms M923T, M922T.
Identifiers: ClinVar variation 3395504 (VCV003395504.2).

ClinVar aggregate classification (germline): Uncertain significance. Review status: criteria provided, multiple submitters, no conflicts (2 of 4 stars). 2 submissions from 2 submitters: Uncertain significance (2). Last evaluated 2024-12-08.

Conditions:
Inborn genetic diseases. Identifiers: MedGen C0950123, MeSH D030342.

Submissions (2):

Ambry Genetics
Classification: Uncertain significance for Inborn genetic diseases. Last evaluated: 2024-12-08. Review status: criteria provided, single submitter. Criteria: Ambry Variant Classification Scheme 2023. Collection method: clinical testing. Allele origin: germline.
Comment: The p.M923T variant (also known as c.2768T>C), located in coding exon 24 of the ANKRD26 gene, results from a T to C substitution at nucleotide position 2768. The methionine at codon 923 is replaced by threonine, an amino acid with similar properties. This amino acid position is conserved. In addition, this alteration is predicted to be tolerated by in silico analysis. Based on the available evidence, the clinical significance of this variant remains unclear.

Blueprint Genetics
Classification: Uncertain significance. Last evaluated: 2020-12-18. Review status: criteria provided, single submitter. Criteria: ACMG Guidelines, 2015. Collection method: clinical testing. Allele origin: germline.